The following is an entry in ClinVar:

NM_000245.4(MET):c.2259T>C (p.Phe753=)

Gene: MET (MET proto-oncogene, receptor tyrosine kinase; plus strand). Cytogenetic location: 7q31.2.
Variant type: single nucleotide variant.
Coding change: c.2259T>C on transcript NM_000245.4 (MANE Select); coding-DNA position 2259, T replaced by C.
Protein change: p.Phe753=; no amino-acid change (phenylalanine 753 retained).
Molecular consequence: synonymous variant.
Genome position (GRCh38, 1-based): chr7:116,758,615, T>C. VCF-style: chr7-116758615-T-C. GRCh37 (hg19) VCF-style: chr7-116398669-T-C.
Other names: c.2259T>C, p.Phe753= (NM_001127500.3, NM_001324401.3); c.969T>C, p.Phe323= (NM_001324402.2).
Identifiers: ClinVar variation 1160594 (VCV001160594.12), dbSNP rs2116932790, ClinGen allele CA457217045.
Genomic context (GRCh38, chr7:116,758,615, plus strand): 5'-AAGCATCTTCAGTTACCGTGAAGATCCCATTGTCTATGAAATTCATCCAACCAAATCTTT[T>C]ATTAGGTAAGTAGAAGCTTCTGATGGGTATAAGAAAACAATGAATACAAGGATGATTTTG-3'
Protein context (NP_000236.2, residues 743-763): IVYEIHPTKS[Phe753=]ISGGSTITGV

ClinVar aggregate classification (germline): Benign/Likely benign. Review status: criteria provided, multiple submitters, no conflicts (2 of 4 stars). 3 submissions from 3 submitters: Benign (1); Likely benign (2). Last evaluated 2024-11-08.

Conditions:
Hereditary cancer-predisposing syndrome. Also called: Tumor predisposition; Neoplastic Syndromes, Hereditary; Hereditary Cancer Syndrome; Hereditary neoplastic syndrome. Identifiers: Orphanet 140162, MedGen C0027672, MeSH D009386, MONDO:0015356.
Renal cell carcinoma. Identifiers: Orphanet 217071, MedGen C0007134, MeSH D002292, MONDO:0005086, HP:0005584.
Papillary renal cell carcinoma type 1 (RCCP1). Also called: Renal adenocarcinoma; Renal cell carcinoma 1; Renal cell carcinoma, somatic; RENAL CELL CARCINOMA, PAPILLARY, 1, SOMATIC. Identifiers: Orphanet 47044, MedGen C1336839, OMIM 605074, HP:0011797.

Allele frequency attached by ClinVar (database versions not stated): gnomAD exomes below 0.00001.
gnomAD v4.1: 1 of 1,613,520 alleles (0.000062%); highest among the groups gnomAD compares: South Asian, 0.0011%; no homozygotes.

Submissions (3):

Myriad Genetics, Inc.
Classification: Benign for Papillary renal cell carcinoma type 1. Last evaluated: 2024-11-08. Review status: criteria provided, single submitter. Criteria: Myriad Autosomal Dominant, Autosomal Recessive and X-Linked Classification Criteria (2023). Collection method: clinical testing. Allele origin: unknown.
Comment: This variant is considered benign. This variant is a silent/synonymous amino acid change and it is not expected to impact splicing.

Ambry Genetics
Classification: Likely benign for Hereditary cancer-predisposing syndrome. Last evaluated: 2022-02-17. Review status: criteria provided, single submitter. Criteria: Ambry Variant Classification Scheme 2023. Collection method: clinical testing. Allele origin: germline.

Labcorp Genetics (formerly Invitae), Labcorp
Classification: Likely benign for Renal cell carcinoma. Last evaluated: 2020-02-22. Review status: criteria provided, single submitter. Criteria: Invitae Variant Classification Sherloc (09022015). Collection method: clinical testing. Allele origin: germline.